The following is an entry in ClinVar:

NM_014875.3(KIF14):c.1826G>A (p.Arg609His)

Gene: KIF14 (kinesin family member 14; minus strand). Cytogenetic location: 1q32.1.
Variant type: single nucleotide variant.
Coding change: c.1826G>A on transcript NM_014875.3 (MANE Select); coding-DNA position 1826, G replaced by A.
Protein change: p.Arg609His; replaces arginine 609 with histidine.
Molecular consequence: missense variant.
Genome position (GRCh38, 1-based): chr1:200,603,876, C>T on the plus strand (G>A on the coding strand, the complement: KIF14 is on the minus strand). VCF-style: chr1-200603876-C-T. GRCh37 (hg19) VCF-style: chr1-200573004-C-T.
Other names: c.353G>A, p.Arg118His (NM_001305792.1); c.1826G>A (NM_014875.2); short protein forms R118H, R609H.
Identifiers: ClinVar variation 2639722 (VCV002639722.25), dbSNP rs149832670, ClinGen allele CA1317707.

ClinVar aggregate classification (germline): Uncertain significance. Review status: criteria provided, multiple submitters, no conflicts (2 of 4 stars). 2 submissions from 2 submitters: Uncertain significance (2). Last evaluated 2024-01-24.

Conditions:
Inborn genetic diseases. Identifiers: MedGen C0950123, MeSH D030342.

Allele frequency attached by ClinVar (database versions not stated): ExAC 0.00001; gnomAD 0.00001; gnomAD exomes 0.00001; ESP Exome Variant Server 0.00008.
gnomAD v4.1: 14 of 1,612,344 alleles (0.00087%); highest among the groups gnomAD compares: East Asian, 0.0067%; no homozygotes.

Submissions (2):

Ambry Genetics
Classification: Uncertain significance for Inborn genetic diseases. Last evaluated: 2024-01-24. Review status: criteria provided, single submitter. Criteria: Ambry Variant Classification Scheme 2023. Collection method: clinical testing. Allele origin: germline.

CeGaT Center for Human Genetics Tuebingen
Classification: Uncertain significance. Last evaluated: 2022-12-01. Review status: criteria provided, single submitter. Criteria: CeGaT Center For Human Genetics Tuebingen Variant Classification Criteria Version 2. Collection method: clinical testing. Allele origin: germline. Affected: yes. Observed: 1 variant allele.
Comment: KIF14: PM2, PM3